The following is an entry in ClinVar:

ClinVar aggregate classification (germline): Uncertain significance (1 of 4 stars; one submission).

Conditions:
TUB-related disorder. Also called: TUB-related condition.

gnomAD v4.1: 54 of 1,550,272 alleles (0.0035%); highest among the groups gnomAD compares: Non-Finnish European, 0.0047%; no homozygotes.

Submission:

PreventionGenetics, part of Exact Sciences
Classification: Uncertain significance for TUB-related condition. Last evaluated: 2025-08-19. Review status: criteria provided, single submitter. Criteria: ACMG Guidelines, 2015. Collection method: clinical testing. Allele origin: germline.
Comment: The TUB c.204-8074G>A variant is predicted to interfere with splicing. In an alternate transcript, this variant is predicted to result in a nonsense variant and protein truncation (NM_177972.2:c.26G>A, p.Trp9*). However, it has low expression in adult tissues based on RNA-seq data and is not expected to affect the translation of the main transcript NM_003320.4. To our knowledge, this variant has not been reported in the literature. This variant is reported in 0.0011% of alleles in individuals of European (Non-Finnish) descent in gnomAD. At this time, the clinical significance of this variant is uncertain due to the absence of conclusive functional and genetic evidence.

NM_177972.3(TUB):c.26G>A (p.Trp9Ter)

Gene: TUB (TUB bipartite transcription factor; plus strand). Cytogenetic location: 11p15.4.
Variant type: single nucleotide variant.
Coding change: c.26G>A on transcript NM_177972.3 (MANE Select); coding-DNA position 26, G replaced by A.
Protein change: p.Trp9Ter; replaces tryptophan 9 with a stop codon.
Molecular consequence: nonsense. On other transcripts: intron variant (5).
Genome position (GRCh38, 1-based): chr11:8,081,536, G>A. VCF-style: chr11-8081536-G-A. GRCh37 (hg19) VCF-style: chr11-8103083-G-A.
Other names: c.26G>A, p.Trp9Ter (NM_001440541.1); c.57-8074G>A (NM_001440538.1, NM_001440539.1, NM_001440540.1 and 1 more transcripts); c.204-8074G>A (NM_003320.5); short protein forms W9*.
Identifiers: ClinVar variation 4990756 (VCV004990756.1).